The following is an entry in ClinVar:

ClinVar aggregate classification (germline): Uncertain significance (1 of 4 stars; one submission).

Allele frequency attached by ClinVar (database versions not stated): gnomAD exomes below 0.00001 and 0.00001; ExAC 0.00001; gnomAD 0.00001 and 0.00002; TOPMed 0.00001.

Submission:

Labcorp Genetics (formerly Invitae), Labcorp
Classification: Uncertain significance. Last evaluated: 2025-09-02. Review status: criteria provided, single submitter. Criteria: Invitae Variant Classification Sherloc (09022015). Collection method: clinical testing. Allele origin: germline.
Comment: This sequence change replaces methionine, which is neutral and non-polar, with threonine, which is neutral and polar, at codon 1123 of the ADAMTS18 protein (p.Met1123Thr). This variant is present in population databases (rs780687551, gnomAD 0.003%). This variant has not been reported in the literature in individuals affected with ADAMTS18-related conditions. ClinVar contains an entry for this variant (Variation ID: 1503364). An algorithm developed to predict the effect of missense changes on protein structure and function outputs the following: PolyPhen-2: "Benign". The threonine amino acid residue is found in multiple mammalian species, which suggests that this missense change does not adversely affect protein function. In summary, the available evidence is currently insufficient to determine the role of this variant in disease. Therefore, it has been classified as a Variant of Uncertain Significance.

NM_199355.4(ADAMTS18):c.3368T>C (p.Met1123Thr)

Gene: ADAMTS18 (ADAM metallopeptidase with thrombospondin type 1 motif 18; minus strand). Cytogenetic location: 16q23.1.
Variant type: single nucleotide variant.
Coding change: c.3368T>C on transcript NM_199355.4 (MANE Select); coding-DNA position 3368, T replaced by C.
Protein change: p.Met1123Thr; replaces methionine 1123 with threonine.
Molecular consequence: missense variant.
Genome position (GRCh38, 1-based): chr16:77,291,300, A>G on the plus strand (T>C on the coding strand, the complement: ADAMTS18 is on the minus strand). VCF-style: chr16-77291300-A-G. GRCh37 (hg19) VCF-style: chr16-77325197-A-G.
Other names: c.2852T>C, p.Met951Thr (NM_001326358.2); short protein forms M951T, M1123T.
Identifiers: ClinVar variation 1503364 (VCV001503364.6), dbSNP rs780687551, ClinGen allele CA8180484.
Genomic context (GRCh38, chr16:77,291,300, plus strand): 5'-CACCTCCTCAATCGGCCTGTACCCACCTGCTGCCACGGCAATGAATACCATCCAGCTACC[A>G]TGTTGTACACTGGATGGGCTGGGCAAGCCCGTCGGTTGCAGGTCTCTTCCAAGTCCAGAT-3'
Protein context (NP_955387.1, residues 1113-1133): RACPAHPVYN[Met1123Thr]VAGWYSLPWQ